The following is an entry in ClinVar:

ClinVar aggregate classification (germline): Uncertain significance. Review status: criteria provided, multiple submitters, no conflicts (2 of 4 stars). 3 submissions from 3 submitters: Uncertain significance (3). Last evaluated 2026-03-31.

Conditions:
Hereditary cancer-predisposing syndrome. Also called: Hereditary Cancer Syndrome; Tumor predisposition; Hereditary neoplastic syndrome; Neoplastic Syndromes, Hereditary. Identifiers: Orphanet 140162, MedGen C0027672, MeSH D009386, MONDO:0015356.
Colorectal cancer, susceptibility to, 12 (CRCS12). Also called: COLORECTAL CANCER, SUSCEPTIBILITY TO, ON CHROMOSOME 12q24. Identifiers: Orphanet 220460, MedGen C3554460, MONDO:0014038, OMIM 615083.
Facial dysmorphism-immunodeficiency-livedo-short stature syndrome. Also called: FILS syndrome; Facial dysmorphism, immunodeficiency, livedo, and short stature. Identifiers: Orphanet 352712, MedGen C3554576, MONDO:0014058, OMIM 615139.

Submissions (3):

Ambry Genetics
Classification: Uncertain significance for Hereditary cancer-predisposing syndrome. Last evaluated: 2026-03-31. Review status: criteria provided, single submitter. Criteria: Ambry Variant Classification Scheme 2023. Collection method: clinical testing. Allele origin: germline.

Labcorp Genetics (formerly Invitae), Labcorp
Classification: Uncertain significance. Last evaluated: 2023-07-06. Review status: criteria provided, single submitter. Criteria: Invitae Variant Classification Sherloc (09022015). Collection method: clinical testing. Allele origin: germline.
Comment: In summary, the available evidence is currently insufficient to determine the role of this variant in disease. Therefore, it has been classified as a Variant of Uncertain Significance. Advanced modeling of protein sequence and biophysical properties (such as structural, functional, and spatial information, amino acid conservation, physicochemical variation, residue mobility, and thermodynamic stability) performed at Invitae indicates that this missense variant is not expected to disrupt POLE protein function. This variant is not present in population databases (gnomAD no frequency). ClinVar contains an entry for this variant (Variation ID: 405901). This variant has not been reported in the literature in individuals affected with POLE-related conditions. This sequence change replaces serine, which is neutral and polar, with phenylalanine, which is neutral and non-polar, at codon 192 of the POLE protein (p.Ser192Phe).

Fulgent Genetics
Classification: Uncertain significance for Colorectal cancer, susceptibility to, 12; Facial dysmorphism-immunodeficiency-livedo-short stature syndrome. Last evaluated: 2018-10-31. Review status: criteria provided, single submitter. Criteria: ACMG Guidelines, 2015. Collection method: clinical testing. Allele origin: unknown.

NM_006231.4(POLE):c.575C>T (p.Ser192Phe)

Gene: POLE (DNA polymerase epsilon, catalytic subunit; minus strand). Cytogenetic location: 12q24.33.
Variant type: single nucleotide variant.
Coding change: c.575C>T on transcript NM_006231.4 (MANE Select); coding-DNA position 575, C replaced by T.
Protein change: p.Ser192Phe; replaces serine 192 with phenylalanine.
Molecular consequence: missense variant.
Genome position (GRCh38, 1-based): chr12:132,679,500, G>A on the plus strand (C>T on the coding strand, the complement: POLE is on the minus strand). VCF-style: chr12-132679500-G-A. GRCh37 (hg19) VCF-style: chr12-133256086-G-A.
Other names: c.575C>T (NM_006231.2); short protein forms S192F.
Identifiers: ClinVar variation 405901 (VCV000405901.12), dbSNP rs1060500891, ClinGen allele CA16614052.